The following is an entry in ClinVar:

ClinVar aggregate classification (germline): Pathogenic (1 of 4 stars; one submission).

Conditions:
Muscular dystrophy-dystroglycanopathy (congenital with brain and eye anomalies), type a, 10 (MDDGA10). Also called: WALKER-WARBURG SYNDROME OR MUSCLE-EYE-BRAIN DISEASE, TMEM5-RELATED. Identifiers: Orphanet 899, MedGen C3554381, MONDO:0014022, OMIM 615041.

Allele frequency attached by ClinVar (database versions not stated): gnomAD 0.00001.

Submission:

Johns Hopkins Genomics, Johns Hopkins University
Classification: Pathogenic for Muscular dystrophy-dystroglycanopathy (congenital with brain and eye anomalies), type a, 10. Last evaluated: 2022-09-07. Review status: criteria provided, single submitter. Criteria: ACMG Guidelines, 2015. Collection method: clinical testing. Allele origin: germline.
Comment: This RXYLT1 variant is absent from a large population dataset and has not been reported in ClinVar nor the literature, to our knowledge. This variant destroys a canonical splice donor site and is predicted to cause abnormal gene splicing. We consider this variant to be pathogenic.

NM_014254.3(RXYLT1):c.169+2T>C

Gene: RXYLT1 (ribitol xylosyltransferase 1; plus strand). Cytogenetic location: 12q14.2.
Variant type: single nucleotide variant.
Coding change: c.169+2T>C on transcript NM_014254.3 (MANE Select); the canonical splice donor site of the intron after coding-DNA position 169, T replaced by C.
Molecular consequence: splice donor variant. On other transcripts: 5 prime UTR variant (1).
Genome position (GRCh38, 1-based): chr12:63,780,131, T>C. VCF-style: chr12-63780131-T-C. GRCh37 (hg19) VCF-style: chr12-64173911-T-C.
Other names: c.-943T>C (NM_001278237.2).
Identifiers: ClinVar variation 1704385 (VCV001704385.1), dbSNP rs1897640752, ClinGen allele CA385584067.
Genomic context (GRCh38, chr12:63,780,131, plus strand): 5'-CGGGTCCCCGCGGGGCCTCAGGAAGGGGGCGGCCCCCGCGCGGGAGAGACGCGGCCGAGG[T>C]AGGACTGGGTCGGCGGCTTCCTTCCGGCTCTGCGCTCCTGGCTGGGGCTGCTGGGCGGCT-3'